The following is an entry in ClinVar:

ClinVar aggregate classification (germline): Benign. Review status: criteria provided, multiple submitters, no conflicts (2 of 4 stars). 5 submissions from 5 submitters: Benign (5). Last evaluated 2026-01-21.

Conditions:
Renal tubular dysgenesis. Also called: Renotubular dysgenesis. Identifiers: Orphanet 3033, MedGen C0266313, MONDO:0017609, HP:0008660.

Allele frequency attached by ClinVar (database versions not stated): 1000 Genomes Project 30x 0.00547; 1000 Genomes Project 0.00559; ExAC 0.00681; gnomAD exomes 0.00682 and 0.01036; ESP Exome Variant Server 0.00707; gnomAD 0.00770 and 0.00783; TOPMed 0.00790.
gnomAD v4.1: 16,206 of 1,614,010 alleles (1%); highest among the groups gnomAD compares: Non-Finnish European, 1.2%; 92 homozygotes.

Submissions (5):

Labcorp Genetics (formerly Invitae), Labcorp
Classification: Benign. Last evaluated: 2026-01-21. Review status: criteria provided, single submitter. Criteria: Invitae Variant Classification Sherloc (09022015). Collection method: clinical testing. Allele origin: germline.

CeGaT Center for Human Genetics Tuebingen
Classification: Benign. Last evaluated: 2025-10-01. Review status: criteria provided, single submitter. Criteria: CeGaT Center For Human Genetics Tuebingen Variant Classification Criteria Version 2. Collection method: clinical testing. Allele origin: germline. Affected: yes. Observed: 3 variant alleles.
Comment: ACE: BP4, BP7, BS1, BS2

Mayo Clinic Laboratories, Mayo Clinic
Classification: Benign. Last evaluated: 2025-01-20. Review status: criteria provided, single submitter. Criteria: ACMG Guidelines, 2015. Collection method: clinical testing. Allele origin: germline. Observed: 2 variant alleles.
Comment: BS1, BS2, BP4, BP7

Illumina Laboratory Services, Illumina
Classification: Benign for Renal tubular dysgenesis of genetic origin. Last evaluated: 2018-01-12. Review status: criteria provided, single submitter. Criteria: ICSL Variant Classification Criteria 13 December 2019. Collection method: clinical testing. Allele origin: germline.
Comment: This variant was observed in the ICSL laboratory as part of a predisposition screen in an ostensibly healthy population. It had not been previously curated by ICSL or reported in the Human Gene Mutation Database (HGMD: prior to June 1st, 2018), and was therefore a candidate for classification through an automated scoring system. Utilizing variant allele frequency, disease prevalence and penetrance estimates, and inheritance mode, an automated score was calculated to assess if this variant is too frequent to cause the disease. Based on the score and internal cut-off values, a variant classified as benign is not then subjected to further curation. The score for this variant resulted in a classification of benign for this disease.

Breakthrough Genomics
Classification: Benign. Review status: criteria provided, single submitter. Criteria: ACMG Guidelines, 2015. Collection method: not provided. Allele origin: germline. Inheritance: Autosomal recessive inheritance. Affected: yes.

NM_000789.4(ACE):c.975G>T (p.Val325=)

Gene: ACE (angiotensin I converting enzyme; plus strand). Cytogenetic location: 17q23.3.
Variant type: single nucleotide variant.
Coding change: c.975G>T on transcript NM_000789.4 (MANE Select); coding-DNA position 975, G replaced by T.
Protein change: p.Val325=; no amino-acid change (valine 325 retained).
Molecular consequence: synonymous variant.
Genome position (GRCh38, 1-based): chr17:63,481,595, G>T. VCF-style: chr17-63481595-G-T. GRCh37 (hg19) VCF-style: chr17-61558956-G-T.
Other names: p.Val325=.
Identifiers: ClinVar variation 324373 (VCV000324373.39), dbSNP rs61738840, ClinGen allele CA8699351.